The following is an entry in ClinVar:

NM_000384.3(APOB):c.12161T>C (p.Ile4054Thr)

Gene: APOB (apolipoprotein B; minus strand). Cytogenetic location: 2p24.1.
Variant type: single nucleotide variant.
Coding change: c.12161T>C on transcript NM_000384.3 (MANE Select); coding-DNA position 12161, T replaced by C.
Protein change: p.Ile4054Thr; replaces isoleucine 4054 with threonine.
Molecular consequence: missense variant.
Genome position (GRCh38, 1-based): chr2:21,003,261, A>G on the plus strand (T>C on the coding strand, the complement: APOB is on the minus strand). VCF-style: chr2-21003261-A-G. GRCh37 (hg19) VCF-style: chr2-21226133-A-G.
Other names: short protein forms I4054T.
Identifiers: ClinVar variation 3336811 (VCV003336811.4), dbSNP rs1663042038.
Genomic context (GRCh38, chr2:21,003,261, plus strand): 5'-ACGTTGTCTTTCAGAGAGGTTAGCAAGCCAGAAGCTGCCTCTTCTTCCCAATTAACTTTG[A>G]TCTGAGTTTCCTCATCAGATTCCCGGACCCTCAACTCAGTTTTGAATATGGTGAGTTTTT-3'
Protein context (NP_000375.3, residues 4044-4064): RVRESDEETQ[Ile4054Thr]KVNWEEEAAS

ClinVar aggregate classification (germline): Uncertain significance. Review status: criteria provided, multiple submitters, no conflicts (2 of 4 stars). 3 submissions from 3 submitters: Uncertain significance (3). Last evaluated 2025-07-24.

Conditions:
Cardiovascular phenotype. Identifiers: MedGen CN230736.
Familial hypobetalipoproteinemia 1. Also called: Hypobetalipoproteinemia, normotriglyceridemic; Acanthocytosis with hypobetalipoproteinemia; APOB-Related Familial Hypobetalipoproteinemia. Identifiers: MedGen C4551990, MONDO:0014252, OMIM 615558.
Hypercholesterolemia, autosomal dominant, type B (FHCL2). Also called: Familial Hypercholesterolemia Type B; APOLIPOPROTEIN B-100, FAMILIAL DEFECTIVE; APOLIPOPROTEIN B-100, FAMILIAL LIGAND-DEFECTIVE; HYPERCHOLESTEROLEMIA, FAMILIAL, DUE TO LIGAND-DEFECTIVE APOLIPOPROTEIN B; Hyperlipoproteinemia Type IIb; Familial hypercholesterolemia 2. Identifiers: MedGen C1704417, MONDO:0007751, OMIM 144010.

gnomAD v4.1: 18 of 1,613,848 alleles (0.0011%); highest among the groups gnomAD compares: Non-Finnish European, 0.0015%; no homozygotes.

Submissions (3):

Ambry Genetics
Classification: Uncertain significance for Cardiovascular phenotype. Last evaluated: 2025-07-24. Review status: criteria provided, single submitter. Criteria: Ambry Variant Classification Scheme 2023. Collection method: clinical testing. Allele origin: germline.
Comment: The p.I4054T variant (also known as c.12161T>C), located in coding exon 29 of the APOB gene, results from a T to C substitution at nucleotide position 12161. The isoleucine at codon 4054 is replaced by threonine, an amino acid with similar properties. This amino acid position is conserved. In addition, this alteration is predicted to be tolerated by in silico analysis. Based on the available evidence, the clinical significance of this variant remains unclear.

Labcorp Genetics (formerly Invitae), Labcorp
Classification: Uncertain significance for Familial hypobetalipoproteinemia 1; Hypercholesterolemia, autosomal dominant, type B. Last evaluated: 2024-03-12. Review status: criteria provided, single submitter. Criteria: Invitae Variant Classification Sherloc (09022015). Collection method: clinical testing. Allele origin: germline.
Comment: This sequence change replaces isoleucine, which is neutral and non-polar, with threonine, which is neutral and polar, at codon 4054 of the APOB protein (p.Ile4054Thr). This variant is not present in population databases (gnomAD no frequency). This variant has not been reported in the literature in individuals affected with APOB-related conditions. Advanced modeling of protein sequence and biophysical properties (such as structural, functional, and spatial information, amino acid conservation, physicochemical variation, residue mobility, and thermodynamic stability) performed at Invitae indicates that this missense variant is not expected to disrupt APOB protein function with a negative predictive value of 95%. In summary, the available evidence is currently insufficient to determine the role of this variant in disease. Therefore, it has been classified as a Variant of Uncertain Significance.

Breakthrough Genomics
Classification: Uncertain significance. Review status: criteria provided, single submitter. Criteria: ACMG Guidelines, 2015. Collection method: not provided. Allele origin: germline. Inheritance: Autosomal recessive inheritance. Affected: yes.